The following is an entry in ClinVar:

ClinVar aggregate classification (germline): Uncertain significance (1 of 4 stars; one submission).

Allele frequency attached by ClinVar (database versions not stated): gnomAD exomes 0.00001.
gnomAD v4.1: 18 of 1,613,476 alleles (0.0011%); highest among the groups gnomAD compares: Non-Finnish European, 0.0015%; no homozygotes.

Submission:

Labcorp Genetics (formerly Invitae), Labcorp
Classification: Uncertain significance. Last evaluated: 2024-09-25. Review status: criteria provided, single submitter. Criteria: Invitae Variant Classification Sherloc (09022015). Collection method: clinical testing. Allele origin: germline.
Comment: This sequence change replaces serine, which is neutral and polar, with cysteine, which is neutral and slightly polar, at codon 76 of the CHRM2 protein (p.Ser76Cys). This variant is present in population databases (no rsID available, gnomAD 0.0009%). This variant has not been reported in the literature in individuals affected with CHRM2-related conditions. ClinVar contains an entry for this variant (Variation ID: 1016089). An algorithm developed to predict the effect of missense changes on protein structure and function (PolyPhen-2) suggests that this variant is likely to be disruptive. In summary, the available evidence is currently insufficient to determine the role of this variant in disease. Therefore, it has been classified as a Variant of Uncertain Significance.

NM_001006630.2(CHRM2):c.227C>G (p.Ser76Cys)

Genes: CHRM2 (cholinergic receptor muscarinic 2; plus strand), LOC349160 (uncharacterized LOC349160; minus strand). Cytogenetic location: 7q33.
Variant type: single nucleotide variant.
Coding change: c.227C>G on transcript NM_001006630.2 (MANE Select); coding-DNA position 227, C replaced by G.
Protein change: p.Ser76Cys; replaces serine 76 with cysteine.
Molecular consequence: missense variant.
Genome position (GRCh38, 1-based): chr7:137,015,092, C>G. VCF-style: chr7-137015092-C-G. GRCh37 (hg19) VCF-style: chr7-136699839-C-G.
Other names: c.227C>G, p.Ser76Cys (NM_000739.3, NM_001006626.3, NM_001006627.3 and 6 more transcripts); short protein forms S76C.
Identifiers: ClinVar variation 1016089 (VCV001016089.8), dbSNP rs1440850408, ClinGen allele CA369486019.